The following is an entry in ClinVar:

ClinVar aggregate classification (germline): Uncertain significance (1 of 4 stars; one submission).

Conditions:
Gorlin syndrome. Also called: Nevoid Basal Cell Carcinoma Syndrome; Basal cell nevus syndrome. Identifiers: Orphanet 377, MedGen C0004779, MONDO:0007187.

Allele frequency attached by ClinVar (database versions not stated): ExAC 0.00001; gnomAD 0.00001; TOPMed 0.00001; gnomAD exomes 0.00002; ESP Exome Variant Server 0.00008.

Submission:

Labcorp Genetics (formerly Invitae), Labcorp
Classification: Uncertain significance for Gorlin syndrome. Last evaluated: 2025-08-30. Review status: criteria provided, single submitter. Criteria: Invitae Variant Classification Sherloc (09022015). Collection method: clinical testing. Allele origin: germline.
Comment: This sequence change replaces glycine, which is neutral and non-polar, with valine, which is neutral and non-polar, at codon 1078 of the PTCH2 protein (p.Gly1078Val). This variant is present in population databases (rs150218755, gnomAD 0.003%). This variant has not been reported in the literature in individuals affected with PTCH2-related conditions. ClinVar contains an entry for this variant (Variation ID: 1007979). Invitae Evidence Modeling of protein sequence and biophysical properties (such as structural, functional, and spatial information, amino acid conservation, physicochemical variation, residue mobility, and thermodynamic stability) indicates that this missense variant is not expected to disrupt PTCH2 protein function with a negative predictive value of 80%. In summary, the available evidence is currently insufficient to determine the role of this variant in disease. Therefore, it has been classified as a Variant of Uncertain Significance.

NM_003738.5(PTCH2):c.3233G>T (p.Gly1078Val)

Gene: PTCH2 (patched 2; minus strand). Cytogenetic location: 1p34.1.
Variant type: single nucleotide variant.
Coding change: c.3233G>T on transcript NM_003738.5 (MANE Select); coding-DNA position 3233, G replaced by T.
Protein change: p.Gly1078Val; replaces glycine 1078 with valine.
Molecular consequence: missense variant.
Genome position (GRCh38, 1-based): chr1:44,823,267, C>A on the plus strand (G>T on the coding strand, the complement: PTCH2 is on the minus strand). VCF-style: chr1-44823267-C-A. GRCh37 (hg19) VCF-style: chr1-45288939-C-A.
Other names: c.3233G>T, p.Gly1078Val (NM_001166292.2); short protein forms G1078V.
Identifiers: ClinVar variation 1007979 (VCV001007979.9), dbSNP rs150218755, ClinGen allele CA822765.